The following is an entry in ClinVar:

ClinVar aggregate classification (germline): Uncertain significance (1 of 4 stars; one submission).

Conditions:
Alkuraya-Kucinskas syndrome. Identifiers: Orphanet 610569, MedGen C4693347, MONDO:0060631, OMIM 617822.

gnomAD v4.1: 3 of 1,184,736 alleles (0.00025%); highest among the groups gnomAD compares: East Asian, 0.018%; no homozygotes.

Submission:

Juno Genomics, Hangzhou Juno Genomics, Inc
Classification: Uncertain significance for Alkuraya-Kucinskas syndrome. Review status: criteria provided, single submitter. Criteria: ACMG Guidelines, 2015. Collection method: clinical testing. Allele origin: germline.
Comment: Absent from controls (or at extremely low frequency if recessive) in Genome Aggregation Database.;Multiple lines of computational evidence support a deleterious effect on the gene or gene product.

NM_001384125.1(BLTP1):c.11212T>C (p.Trp3738Arg)

Gene: BLTP1 (bridge-like lipid transfer protein family member 1; plus strand). Cytogenetic location: 4q27.
Variant type: single nucleotide variant.
Coding change: c.11212T>C on transcript NM_001384125.1 (MANE Select); coding-DNA position 11212, T replaced by C.
Protein change: p.Trp3738Arg; replaces tryptophan 3738 with arginine.
Molecular consequence: missense variant. On other transcripts: intron variant (1).
Genome position (GRCh38, 1-based): chr4:122,325,870, T>C. VCF-style: chr4-122325870-T-C. GRCh37 (hg19) VCF-style: chr4-123247025-T-C.
Other names: c.10995+550T>C (NM_015312.4); short protein forms W3738R.
Identifiers: ClinVar variation 5037980 (VCV005037980.2).